The following is an entry in ClinVar:

ClinVar aggregate classification (germline): Uncertain significance. Review status: criteria provided, multiple submitters, no conflicts (2 of 4 stars). 3 submissions from 3 submitters: Uncertain significance (3). Last evaluated 2024-10-22.

Allele frequency attached by ClinVar (database versions not stated): ExAC 0.00004; gnomAD exomes 0.00004; gnomAD 0.00008; ESP Exome Variant Server 0.00015.
gnomAD v4.1: 71 of 1,613,930 alleles (0.0044%); highest among the groups gnomAD compares: Admixed American, 0.02%; no homozygotes.

Submissions (3):

Labcorp Genetics (formerly Invitae), Labcorp
Classification: Uncertain significance. Last evaluated: 2024-10-22. Review status: criteria provided, single submitter. Criteria: Invitae Variant Classification Sherloc (09022015). Collection method: clinical testing. Allele origin: germline.
Comment: This sequence change replaces alanine, which is neutral and non-polar, with threonine, which is neutral and polar, at codon 544 of the CRAT protein (p.Ala544Thr). This variant is present in population databases (rs138759626, gnomAD 0.02%). This variant has not been reported in the literature in individuals affected with CRAT-related conditions. ClinVar contains an entry for this variant (Variation ID: 1346230). Invitae Evidence Modeling of protein sequence and biophysical properties (such as structural, functional, and spatial information, amino acid conservation, physicochemical variation, residue mobility, and thermodynamic stability) indicates that this missense variant is not expected to disrupt CRAT protein function with a negative predictive value of 80%. In summary, the available evidence is currently insufficient to determine the role of this variant in disease. Therefore, it has been classified as a Variant of Uncertain Significance.

Ambry Genetics
Classification: Uncertain significance. Last evaluated: 2023-10-27. Review status: criteria provided, single submitter. Criteria: Ambry Variant Classification Scheme 2023. Collection method: clinical testing. Allele origin: germline.

Breakthrough Genomics
Classification: Uncertain significance. Review status: criteria provided, single submitter. Criteria: ACMG Guidelines, 2015. Collection method: not provided. Allele origin: germline. Inheritance: Autosomal recessive inheritance. Affected: yes.

NM_000755.5(CRAT):c.1630G>A (p.Ala544Thr)

Gene: CRAT (carnitine O-acetyltransferase; minus strand). Cytogenetic location: 9q34.11.
Variant type: single nucleotide variant.
Coding change: c.1630G>A on transcript NM_000755.5 (MANE Select); coding-DNA position 1630, G replaced by A.
Protein change: p.Ala544Thr; replaces alanine 544 with threonine.
Molecular consequence: missense variant. On other transcripts: intron variant (2).
Genome position (GRCh38, 1-based): chr9:129,096,033, C>T on the plus strand (G>A on the coding strand, the complement: CRAT is on the minus strand). VCF-style: chr9-129096033-C-T. GRCh37 (hg19) VCF-style: chr9-131858312-C-T.
Other names: c.1630G>A (NM_000755.3); c.1567G>A, p.Ala523Thr (NM_001257363.3, NM_004003.4); c.1633G>A, p.Ala545Thr (NM_001346546.2); c.1510G>A, p.Ala504Thr (NM_001346549.2); c.1593+37G>A (NM_001346547.2); c.1530+37G>A (NM_001346548.2); short protein forms A545T, A523T, A544T, A504T.
Identifiers: ClinVar variation 1346230 (VCV001346230.10), dbSNP rs138759626, ClinGen allele CA5275302.